The following is an entry in ClinVar:

ClinVar aggregate classification (germline): Uncertain significance (1 of 4 stars; one submission).

Conditions:
Primary ciliary dyskinesia. Also called: Ciliary dyskinesia. Identifiers: Orphanet 244, MedGen C0008780, MONDO:0016575, HP:0012265.

Submission:

Labcorp Genetics (formerly Invitae), Labcorp
Classification: Uncertain significance for Primary ciliary dyskinesia. Last evaluated: 2022-10-12. Review status: criteria provided, single submitter. Criteria: Invitae Variant Classification Sherloc (09022015). Collection method: clinical testing. Allele origin: germline.
Comment: In summary, the available evidence is currently insufficient to determine the role of this variant in disease. Therefore, it has been classified as a Variant of Uncertain Significance. Advanced modeling of protein sequence and biophysical properties (such as structural, functional, and spatial information, amino acid conservation, physicochemical variation, residue mobility, and thermodynamic stability) performed at Invitae indicates that this missense variant is not expected to disrupt DNAH5 protein function. This variant has not been reported in the literature in individuals affected with DNAH5-related conditions. This variant is not present in population databases (gnomAD no frequency). This sequence change replaces tyrosine, which is neutral and polar, with cysteine, which is neutral and slightly polar, at codon 4284 of the DNAH5 protein (p.Tyr4284Cys).

NM_001369.3(DNAH5):c.12851A>G (p.Tyr4284Cys)

Gene: DNAH5 (dynein axonemal heavy chain 5; minus strand). Cytogenetic location: 5p15.2.
Variant type: single nucleotide variant.
Coding change: c.12851A>G on transcript NM_001369.3 (MANE Select); coding-DNA position 12851, A replaced by G.
Protein change: p.Tyr4284Cys; replaces tyrosine 4284 with cysteine.
Molecular consequence: missense variant.
Genome position (GRCh38, 1-based): chr5:13,716,545, T>C on the plus strand (A>G on the coding strand, the complement: DNAH5 is on the minus strand). VCF-style: chr5-13716545-T-C. GRCh37 (hg19) VCF-style: chr5-13716654-T-C.
Other names: short protein forms Y4284C.
Identifiers: ClinVar variation 1719914 (VCV001719914.6), dbSNP rs2546508893, ClinGen allele CA359203838.